The following is an entry in ClinVar:

NM_020549.5(CHAT):c.413C>A (p.Pro138Gln)

Gene: CHAT (choline O-acetyltransferase; plus strand). Cytogenetic location: 10q11.23.
Variant type: single nucleotide variant.
Coding change: c.413C>A on transcript NM_020549.5 (MANE Select); coding-DNA position 413, C replaced by A.
Protein change: p.Pro138Gln; replaces proline 138 with glutamine.
Molecular consequence: missense variant.
Genome position (GRCh38, 1-based): chr10:49,619,750, C>A. VCF-style: chr10-49619750-C-A. GRCh37 (hg19) VCF-style: chr10-50827796-C-A.
Other names: c.59C>A, p.Pro20Gln (NM_001142929.2, NM_001142934.2, NM_020984.4 and 2 more transcripts); c.167C>A, p.Pro56Gln (NM_001142933.2); short protein forms P138Q, P20Q, P56Q.
Identifiers: ClinVar variation 655037 (VCV000655037.7), dbSNP rs557059182, ClinGen allele CA206625235.

ClinVar aggregate classification (germline): Uncertain significance (1 of 4 stars; one submission).

Conditions:
Familial infantile myasthenia (CMS6). Also called: MYASTHENIC SYNDROME, CONGENITAL, 6, PRESYNAPTIC; MYASTHENIC SYNDROME, PRESYNAPTIC, CONGENITAL, ASSOCIATED WITH EPISODIC APNEA; Congenital myasthenic syndrome type 6. Identifiers: Orphanet 590, MedGen C0393929, MONDO:0009689, OMIM 254210.

Submission:

Labcorp Genetics (formerly Invitae), Labcorp
Classification: Uncertain significance for Familial infantile myasthenia. Last evaluated: 2025-03-31. Review status: criteria provided, single submitter. Criteria: Invitae Variant Classification Sherloc (09022015). Collection method: clinical testing. Allele origin: germline.
Comment: This sequence change replaces proline, which is neutral and non-polar, with glutamine, which is neutral and polar, at codon 138 of the CHAT protein (p.Pro138Gln). This variant is present in population databases (no rsID available, gnomAD 0.003%). This variant has not been reported in the literature in individuals affected with CHAT-related conditions. ClinVar contains an entry for this variant (Variation ID: 655037). Invitae Evidence Modeling of protein sequence and biophysical properties (such as structural, functional, and spatial information, amino acid conservation, physicochemical variation, residue mobility, and thermodynamic stability) indicates that this missense variant is not expected to disrupt CHAT protein function with a negative predictive value of 95%. In summary, the available evidence is currently insufficient to determine the role of this variant in disease. Therefore, it has been classified as a Variant of Uncertain Significance.